The following is an entry in ClinVar:

NM_002519.3(NPAT):c.4207A>G (p.Lys1403Glu)

Gene: NPAT (nuclear protein, coactivator of histone transcription; minus strand). Cytogenetic location: 11q22.3.
Variant type: single nucleotide variant.
Coding change: c.4207A>G on transcript NM_002519.3 (MANE Select); coding-DNA position 4207, A replaced by G.
Protein change: p.Lys1403Glu; replaces lysine 1403 with glutamic acid.
Molecular consequence: missense variant.
Genome position (GRCh38, 1-based): chr11:108,159,019, T>C on the plus strand (A>G on the coding strand, the complement: NPAT is on the minus strand). VCF-style: chr11-108159019-T-C. GRCh37 (hg19) VCF-style: chr11-108029746-T-C.
Other names: c.4228A>G, p.Lys1410Glu (NM_001321307.1); short protein forms K1403E, K1410E.
Identifiers: ClinVar variation 1738693 (VCV001738693.3), dbSNP rs2496688828, ClinGen allele CA382509124.

ClinVar aggregate classification (germline): Uncertain significance (1 of 4 stars; one submission).

Submission:

Ambry Genetics
Classification: Uncertain significance. Last evaluated: 2024-05-28. Review status: criteria provided, single submitter. Criteria: Ambry Variant Classification Scheme 2023. Collection method: clinical testing. Allele origin: germline.
Comment: The p.K1403E variant (also known as c.4207A>G) is located in coding exon 18 of the NPAT gene. The lysine at codon 1403 is replaced by glutamic acid, an amino acid with similar properties. This change occurs in the first base pair of coding exon 18. This amino acid position is conserved. In addition, this alteration is predicted to be tolerated by in silico analysis. Since supporting evidence is limited at this time, the clinical significance of this alteration remains unclear.